The following is an entry in ClinVar:

NM_000751.3(CHRND):c.1450G>A (p.Gly484Ser)

Gene: CHRND (cholinergic receptor nicotinic delta subunit; plus strand). Cytogenetic location: 2q37.1.
Variant type: single nucleotide variant.
Coding change: c.1450G>A on transcript NM_000751.3 (MANE Select); coding-DNA position 1450, G replaced by A.
Protein change: p.Gly484Ser; replaces glycine 484 with serine.
Molecular consequence: missense variant.
Genome position (GRCh38, 1-based): chr2:232,535,208, G>A. VCF-style: chr2-232535208-G-A. GRCh37 (hg19) VCF-style: chr2-233399918-G-A.
Other names: c.1405G>A, p.Gly469Ser (NM_001256657.2); c.868G>A, p.Gly290Ser (NM_001311195.2); c.1147G>A, p.Gly383Ser (NM_001311196.2); short protein forms G290S, G383S, G469S, G484S.
Identifiers: ClinVar variation 3673989 (VCV003673989.2).

ClinVar aggregate classification (germline): Uncertain significance (1 of 4 stars; one submission).

Conditions:
Lethal multiple pterygium syndrome (LMPS). Identifiers: Orphanet 33108, MedGen C1854678, MONDO:0009668, OMIM 253290.

gnomAD v4.1: 11 of 1,614,224 alleles (0.00068%); highest among the groups gnomAD compares: Non-Finnish European, 0.00085%; no homozygotes.

Submission:

Labcorp Genetics (formerly Invitae), Labcorp
Classification: Uncertain significance for Lethal multiple pterygium syndrome. Last evaluated: 2024-02-20. Review status: criteria provided, single submitter. Criteria: Invitae Variant Classification Sherloc (09022015). Collection method: clinical testing. Allele origin: germline.
Comment: This sequence change replaces glycine, which is neutral and non-polar, with serine, which is neutral and polar, at codon 484 of the CHRND protein (p.Gly484Ser). This variant is not present in population databases (gnomAD no frequency). This variant has not been reported in the literature in individuals affected with CHRND-related conditions. Advanced modeling of protein sequence and biophysical properties (such as structural, functional, and spatial information, amino acid conservation, physicochemical variation, residue mobility, and thermodynamic stability) performed at Invitae indicates that this missense variant is not expected to disrupt CHRND protein function with a negative predictive value of 80%. Algorithms developed to predict the effect of sequence changes on RNA splicing suggest that this variant may create or strengthen a splice site. In summary, the available evidence is currently insufficient to determine the role of this variant in disease. Therefore, it has been classified as a Variant of Uncertain Significance.